The following is an entry in ClinVar:

ClinVar aggregate classification (germline): Uncertain significance. Review status: criteria provided, multiple submitters, no conflicts (2 of 4 stars). 2 submissions from 2 submitters: Uncertain significance (2). Last evaluated 2026-01-16.

Allele frequency attached by ClinVar (database versions not stated): TOPMed 0.00008; ExAC 0.00007; gnomAD exomes 0.00022; ESP Exome Variant Server 0.00048; gnomAD 0.00006.

Submissions (2):

Labcorp Genetics (formerly Invitae), Labcorp
Classification: Uncertain significance. Last evaluated: 2026-01-16. Review status: criteria provided, single submitter. Criteria: Invitae Variant Classification Sherloc (09022015). Collection method: clinical testing. Allele origin: germline.
Comment: This sequence change replaces arginine, which is basic and polar, with tryptophan, which is neutral and slightly polar, at codon 1365 of the MYH7B protein (p.Arg1365Trp). This variant is present in population databases (rs200803656, gnomAD 0.01%). This variant has not been reported in the literature in individuals affected with MYH7B-related conditions. ClinVar contains an entry for this variant (Variation ID: 2726131). Invitae Evidence Modeling of protein sequence and biophysical properties (such as structural, functional, and spatial information, amino acid conservation, physicochemical variation, residue mobility, and thermodynamic stability) indicates that this missense variant is expected to disrupt MYH7B protein function with a positive predictive value of 80%. In summary, the available evidence is currently insufficient to determine the role of this variant in disease. Therefore, it has been classified as a Variant of Uncertain Significance.

Ambry Genetics
Classification: Uncertain significance. Last evaluated: 2024-09-03. Review status: criteria provided, single submitter. Criteria: Ambry Variant Classification Scheme 2023. Collection method: clinical testing. Allele origin: germline.

NM_020884.7(MYH7B):c.3967C>T (p.Arg1323Trp)

Gene: MYH7B (myosin heavy chain 7B; plus strand). Cytogenetic location: 20q11.22.
Variant type: single nucleotide variant.
Coding change: c.3967C>T on transcript NM_020884.7 (MANE Select); coding-DNA position 3967, C replaced by T.
Protein change: p.Arg1323Trp; replaces arginine 1323 with tryptophan.
Molecular consequence: missense variant.
Genome position (GRCh38, 1-based): chr20:34,998,603, C>T. VCF-style: chr20-34998603-C-T. GRCh37 (hg19) VCF-style: chr20-33586406-C-T.
Other names: c.4093C>T (NM_020884.3); short protein forms R1323W.
Identifiers: ClinVar variation 2726131 (VCV002726131.4), dbSNP rs200803656, ClinGen allele CA9827936.
Genomic context (GRCh38, chr20:34,998,603, plus strand): 5'-TGTCTGATCAGTCAGCTGAGCCGTGGAAAGGCCCTGGCCGCCCAAAGCCTGGAAGAGTTG[C>T]GGCGCCAGCTAGAGGAGGAAAGCAAGGTGGGCTGGCACCGGTGACCATGGAGTGGGCAGG-3'
Protein context (NP_065935.4, residues 1313-1333): ALAAQSLEEL[Arg1323Trp]RQLEEESKAK